The following is an entry in ClinVar:

ClinVar aggregate classification (germline): Uncertain significance (1 of 4 stars; one submission).

Conditions:
Agammaglobulinemia 6, autosomal recessive (AGM6). Also called: AGAMMAGLOBULINEMIA, AUTOSOMAL RECESSIVE, DUE TO CD79B DEFECT; AGAMMAGLOBULINEMIA 6. Identifiers: MedGen C3150207, MONDO:0012987, OMIM 612692.

Allele frequency attached by ClinVar (database versions not stated): TOPMed below 0.00001.
gnomAD v4.1: 10 of 1,614,198 alleles (0.00062%); highest among the groups gnomAD compares: African/African-American, 0.0013%; no homozygotes.

Submission:

Labcorp Genetics (formerly Invitae), Labcorp
Classification: Uncertain significance for Agammaglobulinemia 6, autosomal recessive. Last evaluated: 2022-12-06. Review status: criteria provided, single submitter. Criteria: Invitae Variant Classification Sherloc (09022015). Collection method: clinical testing. Allele origin: germline.
Comment: ClinVar contains an entry for this variant (Variation ID: 1414841). In summary, the available evidence is currently insufficient to determine the role of this variant in disease. Therefore, it has been classified as a Variant of Uncertain Significance. Algorithms developed to predict the effect of missense changes on protein structure and function output the following: SIFT: "Not Available"; PolyPhen-2: "Benign"; Align-GVGD: "Not Available". The lysine amino acid residue is found in multiple mammalian species, which suggests that this missense change does not adversely affect protein function. This variant has not been reported in the literature in individuals affected with CD79B-related conditions. This variant is not present in population databases (gnomAD no frequency). This sequence change replaces glutamic acid, which is acidic and polar, with lysine, which is basic and polar, at codon 102 of the CD79B protein (p.Glu102Lys).

NM_000626.4(CD79B):c.304G>A (p.Glu102Lys)

Genes: CD79B (CD79b molecule; minus strand), GH-LCR (growth hormone locus control region; plus strand). Cytogenetic location: 17q23.3.
Variant type: single nucleotide variant.
Coding change: c.304G>A on transcript NM_000626.4 (MANE Select); coding-DNA position 304, G replaced by A.
Protein change: p.Glu102Lys; replaces glutamic acid 102 with lysine.
Molecular consequence: missense variant. On other transcripts: intron variant (2).
Genome position (GRCh38, 1-based): chr17:63,930,200, C>T on the plus strand (G>A on the coding strand, the complement: CD79B is on the minus strand). VCF-style: chr17-63930200-C-T. GRCh37 (hg19) VCF-style: chr17-62007560-C-T.
Other names: c.307G>A, p.Glu103Lys (NM_001039933.3); c.119-312G>A (NM_021602.4); c.122-312G>A (NM_001329050.2); short protein forms E103K, E102K.
Identifiers: ClinVar variation 1414841 (VCV001414841.6), dbSNP rs1908036921, ClinGen allele CA400604708.